The following is an entry in ClinVar:

ClinVar aggregate classification (germline): Benign. Review status: criteria provided, multiple submitters, no conflicts (2 of 4 stars). 5 submissions from 5 submitters: Benign (4). 1 of the submissions does not count toward it. Last evaluated 2021-06-09.

Conditions:
Spondylocostal dysostosis 2, autosomal recessive (SCDO2). Also called: MESP2-Related Spondylocostal Dysostosis, Autosomal Recessive; Spondylocostal dysostosis type 2. Identifiers: Orphanet 2311, MedGen C1837549, MONDO:0012097, OMIM 608681.

Allele frequency attached by ClinVar (database versions not stated): ExAC 0.02524; gnomAD exomes 0.02532; gnomAD 0.05106.

Submissions (5):

GeneDx
Classification: Benign. Last evaluated: 2021-06-09. Review status: criteria provided, single submitter. Criteria: GeneDx Variant Classification Process June 2021. Collection method: clinical testing. Allele origin: germline. Affected: yes.

Illumina Laboratory Services, Illumina
Classification: Benign for Spondylocostal dysostosis 2, autosomal recessive. Last evaluated: 2018-01-13. Review status: criteria provided, single submitter. Criteria: ICSL Variant Classification Criteria 13 December 2019. Collection method: clinical testing. Allele origin: germline.
Comment: This variant was observed in the ICSL laboratory as part of a predisposition screen in an ostensibly healthy population. It had not been previously curated by ICSL or reported in the Human Gene Mutation Database (HGMD: prior to June 1st, 2018), and was therefore a candidate for classification through an automated scoring system. Utilizing variant allele frequency, disease prevalence and penetrance estimates, and inheritance mode, an automated score was calculated to assess if this variant is too frequent to cause the disease. Based on the score and internal cut-off values, a variant classified as benign is not then subjected to further curation. The score for this variant resulted in a classification of benign for this disease.

Breakthrough Genomics
Classification: Benign. Review status: criteria provided, single submitter. Criteria: ACMG Guidelines, 2015. Collection method: not provided. Allele origin: germline. Inheritance: Autosomal recessive inheritance. Affected: yes.

PreventionGenetics, part of Exact Sciences
Classification: Benign. Review status: criteria provided, single submitter. Criteria: ACMG Guidelines, 2015. Collection method: clinical testing. Allele origin: germline.

Natera, Inc.
Classification: Benign for Spondylocostal dysostosis type 2. Last evaluated: 2019-11-26. Review status: no assertion criteria provided. Collection method: clinical testing. Allele origin: germline. Not counted in ClinVar's aggregate classification.

NM_001039958.2(MESP2):c.558G>A (p.Gln186=)

Gene: MESP2 (mesoderm posterior bHLH transcription factor 2; plus strand). Cytogenetic location: 15q26.1.
Variant type: single nucleotide variant.
Coding change: c.558G>A on transcript NM_001039958.2 (MANE Select); coding-DNA position 558, G replaced by A.
Protein change: p.Gln186=; no amino-acid change (glutamine 186 retained).
Molecular consequence: synonymous variant.
Genome position (GRCh38, 1-based): chr15:89,776,915, G>A. VCF-style: chr15-89776915-G-A. GRCh37 (hg19) VCF-style: chr15-90320146-G-A.
Identifiers: ClinVar variation 257243 (VCV000257243.12), dbSNP rs28546919, ClinGen allele CA7730452.